The following is an entry in ClinVar:

ClinVar aggregate classification (germline): Conflicting classifications of pathogenicity. Review status: criteria provided, conflicting classifications (1 of 4 stars). 2 submissions from 2 submitters: Uncertain significance (1); Likely benign (1). Last evaluated 2024-12-18.

Conditions:
TNC-related disorder. Also called: TNC-related condition.

Allele frequency attached by ClinVar (database versions not stated): ExAC 0.00001; gnomAD exomes 0.00004 and 0.00005; gnomAD 0.00005 and 0.00006; TOPMed 0.00009.
gnomAD v4.1: 85 of 1,612,762 alleles (0.0053%); highest among the groups gnomAD compares: Middle Eastern, 0.016%; no homozygotes.

Submissions (2):

PreventionGenetics, part of Exact Sciences
Classification: Uncertain significance for TNC-related condition. Last evaluated: 2024-12-18. Review status: criteria provided, single submitter. Criteria: ACMG Guidelines, 2015. Collection method: clinical testing. Allele origin: germline.
Comment: The TNC c.1312C>T variant is predicted to result in the amino acid substitution p.Arg438Trp. To our knowledge, this variant has not been reported in the literature. This variant is reported in 0.016% of alleles in individuals of African descent in gnomAD. Although we suspect that this variant may be benign, at this time, the clinical significance of this variant is uncertain due to the absence of conclusive functional and genetic evidence.

CeGaT Center for Human Genetics Tuebingen
Classification: Likely benign. Last evaluated: 2019-06-01. Review status: criteria provided, single submitter. Criteria: CeGaT Center For Human Genetics Tuebingen Variant Classification Criteria Version 2. Collection method: clinical testing. Allele origin: germline. Affected: yes. Observed: 3 variant alleles.

NM_002160.4(TNC):c.1312C>T (p.Arg438Trp)

Gene: TNC (tenascin C; minus strand). Cytogenetic location: 9q33.1.
Variant type: single nucleotide variant.
Coding change: c.1312C>T on transcript NM_002160.4 (MANE Select); coding-DNA position 1312, C replaced by T.
Protein change: p.Arg438Trp; replaces arginine 438 with tryptophan.
Molecular consequence: missense variant.
Genome position (GRCh38, 1-based): chr9:115,086,419, G>A on the plus strand (C>T on the coding strand, the complement: TNC is on the minus strand). VCF-style: chr9-115086419-G-A. GRCh37 (hg19) VCF-style: chr9-117848698-G-A.
Other names: c.1312C>T (NM_002160.3); short protein forms R438W.
Identifiers: ClinVar variation 810409 (VCV000810409.43), dbSNP rs771475685, ClinGen allele CA5208846.